The following is an entry in ClinVar:

ClinVar aggregate classification (germline): Benign/Likely benign. Review status: criteria provided, multiple submitters, no conflicts (2 of 4 stars). 3 submissions from 3 submitters: Benign (1); Likely benign (2). Last evaluated 2024-07-26.

Conditions:
Familial cancer of breast. Also called: BREAST CANCER, FAMILIAL; Hereditary breast cancer; hereditary breast carcinoma. Identifiers: Orphanet 227535, MedGen C0346153, MONDO:0016419, OMIM 114480. Disease mechanism: loss of function.
Hereditary cancer-predisposing syndrome. Also called: Neoplastic Syndromes, Hereditary; Tumor predisposition; Hereditary Cancer Syndrome; Hereditary neoplastic syndrome. Identifiers: Orphanet 140162, MedGen C0027672, MeSH D009386, MONDO:0015356.

Submissions (3):

Myriad Genetics, Inc.
Classification: Benign for Familial cancer of breast. Last evaluated: 2024-07-26. Review status: criteria provided, single submitter. Criteria: Myriad Autosomal Dominant, Autosomal Recessive and X-Linked Classification Criteria (2023). Collection method: clinical testing. Allele origin: unknown.
Comment: This variant is considered benign. This variant is a silent/synonymous amino acid change and it is not expected to impact splicing.

Labcorp Genetics (formerly Invitae), Labcorp
Classification: Likely benign for Familial cancer of breast. Last evaluated: 2023-10-05. Review status: criteria provided, single submitter. Criteria: Invitae Variant Classification Sherloc (09022015). Collection method: clinical testing. Allele origin: germline.

Ambry Genetics
Classification: Likely benign for Hereditary cancer-predisposing syndrome. Last evaluated: 2016-04-10. Review status: criteria provided, single submitter. Criteria: Ambry Variant Classification Scheme 2023. Collection method: clinical testing. Allele origin: germline.

NM_000465.4(BARD1):c.1824T>C (p.Val608=)

Gene: BARD1 (BRCA1 associated RING domain 1; minus strand). Cytogenetic location: 2q35.
Variant type: single nucleotide variant.
Coding change: c.1824T>C on transcript NM_000465.4 (MANE Select); coding-DNA position 1824, T replaced by C.
Protein change: p.Val608=; no amino-acid change (valine 608 retained).
Molecular consequence: synonymous variant. On other transcripts: non-coding transcript variant (3), intron variant (1).
Genome position (GRCh38, 1-based): chr2:214,745,146, A>G on the plus strand (T>C on the coding strand, the complement: BARD1 is on the minus strand). VCF-style: chr2-214745146-A-G. GRCh37 (hg19) VCF-style: chr2-215609870-A-G.
Other names: c.1767T>C, p.Val589= (NM_001282543.2); c.471T>C, p.Val157= (NM_001282545.2); c.414T>C, p.Val138= (NM_001282548.2); c.365-14638T>C (NM_001282549.2).
Identifiers: ClinVar variation 482785 (VCV000482785.9), dbSNP rs1268678327, ClinGen allele CA431145341.
Genomic context (GRCh38, chr2:214,745,146, plus strand): 5'-GCATCCATTGAGAATCCCAAGCATACACTTCAAGGTACTTTGAACTGCATCACCAGGAAC[A>G]ACAACATGAGTTACTAAAATACAAAAAAAGCAGTAAGAGAAAGAAAGATACAAGCCAAAG-3'
Protein context (NP_000456.2, residues 598-618): TEFDSTVTHV[Val608=]VPGDAVQSTL